The following is an entry in ClinVar:

ClinVar aggregate classification (germline): Uncertain significance. Review status: criteria provided, single submitter (1 of 4 stars). 2 submissions from 2 submitters: Uncertain significance (1). 1 of the submissions does not count toward it. Last evaluated 2022-02-22.

Conditions:
RASA2-related disorder. Also called: RASA2-related condition.

Allele frequency attached by ClinVar (database versions not stated): gnomAD 0.00001.
gnomAD v4.1: 1 of 1,612,080 alleles (0.000062%); highest among the groups gnomAD compares: African/African-American, 0.0013%; no homozygotes.

Submissions (2):

Labcorp Genetics (formerly Invitae), Labcorp
Classification: Uncertain significance. Last evaluated: 2022-02-22. Review status: criteria provided, single submitter. Criteria: Invitae Variant Classification Sherloc (09022015). Collection method: clinical testing. Allele origin: germline.
Comment: This sequence change replaces cysteine, which is neutral and slightly polar, with tyrosine, which is neutral and polar, at codon 170 of the RASA2 protein (p.Cys170Tyr). This variant is not present in population databases (gnomAD no frequency). This variant has not been reported in the literature in individuals affected with RASA2-related conditions. Algorithms developed to predict the effect of missense changes on protein structure and function are either unavailable or do not agree on the potential impact of this missense change (SIFT: "Deleterious"; PolyPhen-2: "Possibly Damaging"; Align-GVGD: "Class C0"). In summary, the available evidence is currently insufficient to determine the role of this variant in disease. Therefore, it has been classified as a Variant of Uncertain Significance.

PreventionGenetics, part of Exact Sciences
Classification: Uncertain significance for RASA2-related condition. Last evaluated: 2024-06-27. Review status: no assertion criteria provided. Collection method: clinical testing. Allele origin: germline. Not counted in ClinVar's aggregate classification.
Comment: The RASA2 c.509G>A variant is predicted to result in the amino acid substitution p.Cys170Tyr. To our knowledge, this variant has not been reported in the literature or in a large population database, indicating this variant is rare. At this time, the clinical significance of this variant is uncertain due to the absence of conclusive functional and genetic evidence.

NM_006506.5(RASA2):c.509G>A (p.Cys170Tyr)

Gene: RASA2 (RAS p21 protein activator 2; plus strand). Cytogenetic location: 3q23.
Variant type: single nucleotide variant.
Coding change: c.509G>A on transcript NM_006506.5 (MANE Select); coding-DNA position 509, G replaced by A.
Protein change: p.Cys170Tyr; replaces cysteine 170 with tyrosine.
Molecular consequence: missense variant.
Genome position (GRCh38, 1-based): chr3:141,540,591, G>A. VCF-style: chr3-141540591-G-A. GRCh37 (hg19) VCF-style: chr3-141259433-G-A.
Other names: c.509G>A, p.Cys170Tyr (NM_001303245.3, NM_001303246.3); c.509G>A (NM_001303246.1); short protein forms C170Y.
Identifiers: ClinVar variation 2102250 (VCV002102250.5), dbSNP rs2082391661, ClinGen allele CA354772346.